The following is an entry in ClinVar:

NC_000013.11:g.48303750C>T

Gene: RB1 (RB transcriptional corepressor 1; plus strand). Cytogenetic location: 13q14.2.
Variant type: single nucleotide variant.
Genome position: GRCh38 VCF-style: chr13-48303750-C-T. GRCh37 (hg19) VCF-style: chr13-48877886-C-T.
Other names: c.-163C>T (NM_000321.2).
Identifiers: ClinVar variation 3670207 (VCV003670207.2).

ClinVar aggregate classification (germline): Uncertain significance (1 of 4 stars; one submission).

Conditions:
Retinoblastoma (RB1). Also called: RETINOBLASTOMA, SOMATIC. Identifiers: Orphanet 790, MedGen C0035335, MeSH D012175, MONDO:0008380, OMIM 180200, HP:0009919. Disease mechanism: loss of function. Inheritance: Both sporadic and heritable forms are tested..

Submission:

Labcorp Genetics (formerly Invitae), Labcorp
Classification: Uncertain significance for Retinoblastoma. Last evaluated: 2024-02-01. Review status: criteria provided, single submitter. Criteria: Invitae Variant Classification Sherloc (09022015). Collection method: clinical testing. Allele origin: germline.
Comment: This variant occurs in a non-coding region of the RB1 gene. It does not change the encoded amino acid sequence of the RB1 protein. This variant is not present in population databases (gnomAD no frequency). This variant has not been reported in the literature in individuals affected with RB1-related conditions. In summary, the available evidence is currently insufficient to determine the role of this variant in disease. Therefore, it has been classified as a Variant of Uncertain Significance.